The following is an entry in ClinVar:

ClinVar aggregate classification (germline): Uncertain significance (1 of 4 stars; one submission).

Conditions:
Hereditary cancer-predisposing syndrome. Also called: Hereditary Cancer Syndrome; Hereditary neoplastic syndrome; Tumor predisposition; Neoplastic Syndromes, Hereditary. Identifiers: Orphanet 140162, MedGen C0027672, MeSH D009386, MONDO:0015356.

Submission:

Ambry Genetics
Classification: Uncertain significance for Hereditary cancer-predisposing syndrome. Last evaluated: 2024-08-30. Review status: criteria provided, single submitter. Criteria: Ambry Variant Classification Scheme 2023. Collection method: clinical testing. Allele origin: germline.
Comment: The p.V714L variant (also known as c.2140G>T), located in coding exon 12 of the ALK gene, results from a G to T substitution at nucleotide position 2140. The valine at codon 714 is replaced by leucine, an amino acid with highly similar properties. This amino acid position is conserved. In addition, the in silico prediction for this alteration is inconclusive. Based on the available evidence, the clinical significance of this variant remains unclear.

NM_004304.5(ALK):c.2140G>T (p.Val714Leu)

Gene: ALK (ALK receptor tyrosine kinase; minus strand). Cytogenetic location: 2p23.2.
Variant type: single nucleotide variant.
Coding change: c.2140G>T on transcript NM_004304.5 (MANE Select); coding-DNA position 2140, G replaced by T.
Protein change: p.Val714Leu; replaces valine 714 with leucine.
Molecular consequence: missense variant.
Genome position (GRCh38, 1-based): chr2:29,251,169, C>A on the plus strand (G>T on the coding strand, the complement: ALK is on the minus strand). VCF-style: chr2-29251169-C-A. GRCh37 (hg19) VCF-style: chr2-29474035-C-A.
Other names: short protein forms V714L.
Identifiers: ClinVar variation 3524493 (VCV003524493.1).